The following is an entry in ClinVar:

ClinVar aggregate classification (germline): Uncertain significance (1 of 4 stars; one submission).

Conditions:
Renal cell carcinoma. Identifiers: Orphanet 217071, MedGen C0007134, MeSH D002292, MONDO:0005086, HP:0005584.

gnomAD v4.1: 1 of 1,613,748 alleles (0.000062%); highest among the groups gnomAD compares: Non-Finnish European, 0.000085%; no homozygotes.

Submission:

Labcorp Genetics (formerly Invitae), Labcorp
Classification: Uncertain significance for Renal cell carcinoma. Last evaluated: 2025-09-08. Review status: criteria provided, single submitter. Criteria: Invitae Variant Classification Sherloc (09022015). Collection method: clinical testing. Allele origin: germline.
Comment: This sequence change replaces glutamic acid, which is acidic and polar, with glutamine, which is neutral and polar, at codon 1190 of the MET protein (p.Glu1190Gln). This variant is not present in population databases (gnomAD no frequency). This variant has not been reported in the literature in individuals affected with MET-related conditions. Invitae Evidence Modeling of protein sequence and biophysical properties (such as structural, functional, and spatial information, amino acid conservation, physicochemical variation, residue mobility, and thermodynamic stability) indicates that this missense variant is not expected to disrupt MET protein function with a negative predictive value of 80%. In summary, the available evidence is currently insufficient to determine the role of this variant in disease. Therefore, it has been classified as a Variant of Uncertain Significance.

NM_000245.4(MET):c.3514G>C (p.Glu1172Gln)

Gene: MET (MET proto-oncogene, receptor tyrosine kinase; plus strand). Cytogenetic location: 7q31.2.
Variant type: single nucleotide variant.
Coding change: c.3514G>C on transcript NM_000245.4 (MANE Select); coding-DNA position 3514, G replaced by C.
Protein change: p.Glu1172Gln; replaces glutamic acid 1172 with glutamine.
Molecular consequence: missense variant.
Genome position (GRCh38, 1-based): chr7:116,778,949, G>C. VCF-style: chr7-116778949-G-C. GRCh37 (hg19) VCF-style: chr7-116419003-G-C.
Other names: c.3568G>C, p.Glu1190Gln (NM_001127500.3); c.2224G>C, p.Glu742Gln (NM_001324402.2); short protein forms E1190Q, E742Q, E1172Q.
Identifiers: ClinVar variation 4741099 (VCV004741099.1).